The following is an entry in ClinVar:

NM_007294.4(BRCA1):c.4827A>C (p.Glu1609Asp)

Gene: BRCA1 (BRCA1 DNA repair associated; minus strand). Cytogenetic location: 17q21.31.
Variant type: single nucleotide variant.
Coding change: c.4827A>C on transcript NM_007294.4 (MANE Select); coding-DNA position 4827, A replaced by C.
Protein change: p.Glu1609Asp; replaces glutamic acid 1609 with aspartic acid.
Molecular consequence: missense variant. On other transcripts: intron variant (1).
Genome position (GRCh38, 1-based): chr17:43,071,087, T>G on the plus strand (A>C on the coding strand, the complement: BRCA1 is on the minus strand). VCF-style: chr17-43071087-T-G. GRCh37 (hg19) VCF-style: chr17-41223104-T-G.
Other names: c.1395A>C, p.Glu465Asp (NM_001408431.1, NM_001408428.1, NM_001408429.1 and 4 more transcripts); c.1392A>C, p.Glu464Asp (NM_001408432.1, NM_001408433.1, NM_001408434.1 and 10 more transcripts); c.1389A>C, p.Glu463Asp (NM_001408448.1, NM_001408450.1, NM_001408447.1 and 2 more transcripts); c.1383A>C, p.Glu461Asp (NM_001408451.1); c.4614A>C, p.Glu1538Asp (NM_001407571.1, NM_001407910.1, NM_001407895.1 and 12 more transcripts); c.4893A>C, p.Glu1631Asp (NM_001407581.1, NM_001407582.1); c.4890A>C, p.Glu1630Asp (NM_001407583.1, NM_007300.4, NM_001407585.1 and 1 more transcripts); c.1515A>C, p.Glu505Asp (NM_001407984.1, NM_001407985.1, NM_001407986.1 and 12 more transcripts); and 71 more; short protein forms E1312D, E1480D, E1519D, E1521D, E1537D, E1539D, E1540D, E1565D.
Identifiers: ClinVar variation 3992631 (VCV003992631.1).

ClinVar aggregate classification (germline): Uncertain significance (1 of 4 stars; one submission).

Conditions:
Hereditary cancer-predisposing syndrome. Also called: Tumor predisposition; Hereditary neoplastic syndrome; Neoplastic Syndromes, Hereditary; Hereditary Cancer Syndrome. Identifiers: Orphanet 140162, MedGen C0027672, MeSH D009386, MONDO:0015356.

Submission:

Ambry Genetics
Classification: Uncertain significance for Hereditary cancer-predisposing syndrome. Last evaluated: 2025-05-25. Review status: criteria provided, single submitter. Criteria: Ambry Variant Classification Scheme 2023. Collection method: clinical testing. Allele origin: germline.
Comment: The p.E1609D variant (also known as c.4827A>C), located in coding exon 14 of the BRCA1 gene, results from an A to C substitution at nucleotide position 4827. The glutamic acid at codon 1609 is replaced by aspartic acid, an amino acid with highly similar properties. This amino acid position is well conserved in available vertebrate species. In addition, the in silico prediction for this alteration is inconclusive. Based on the available evidence, the clinical significance of this variant remains unclear.